The following is an entry in ClinVar:

ClinVar aggregate classification (germline): Pathogenic (1 of 4 stars; one submission).

Conditions:
Glycogen storage disease type III (GSD3). Also called: Cori disease; FORBES DISEASE. Identifiers: Orphanet 366, MedGen C0017922, MONDO:0009291, OMIM 232400.

Submission:

Labcorp Genetics (formerly Invitae), Labcorp
Classification: Pathogenic for Glycogen storage disease type III. Last evaluated: 2019-04-25. Review status: criteria provided, single submitter. Criteria: Invitae Variant Classification Sherloc (09022015). Collection method: clinical testing. Allele origin: germline.
Comment: This sequence change creates a premature translational stop signal (p.Lys1363*) in the AGL gene. It is expected to result in an absent or disrupted protein product. This variant is not present in population databases (ExAC no frequency). This variant has not been reported in the literature in individuals with AGL-related conditions. Loss-of-function variants in AGL are known to be pathogenic (PMID: 19299494). For these reasons, this variant has been classified as Pathogenic.

Literature cited by the submitters: PubMed 19299494.

NM_000642.3(AGL):c.4087A>T (p.Lys1363Ter)

Gene: AGL (amylo-alpha-1,6-glucosidase and 4-alpha-glucanotransferase; plus strand). Cytogenetic location: 1p21.2.
Variant type: single nucleotide variant.
Coding change: c.4087A>T on transcript NM_000642.3 (MANE Select); coding-DNA position 4087, A replaced by T.
Protein change: p.Lys1363Ter; replaces lysine 1363 with a stop codon.
Molecular consequence: nonsense.
Genome position (GRCh38, 1-based): chr1:99,913,664, A>T. VCF-style: chr1-99913664-A-T. GRCh37 (hg19) VCF-style: chr1-100379220-A-T.
Other names: c.4087A>T, p.Lys1363Ter (NM_000028.3, NM_000643.3, NM_000644.3 and 1 more transcripts); c.4039A>T, p.Lys1347Ter (NM_000646.3); c.4066A>T, p.Lys1356Ter (NM_001425326.1); c.3886A>T, p.Lys1296Ter (NM_001425327.1); c.3883A>T, p.Lys1295Ter (NM_001425328.1); c.3748A>T, p.Lys1250Ter (NM_001425329.1); c.3709A>T, p.Lys1237Ter (NM_001425332.1); short protein forms K1347*, K1363*, K1237*, K1250*, K1295*, K1296*, K1356*.
Identifiers: ClinVar variation 855438 (VCV000855438.8), dbSNP rs1654912428, ClinGen allele CA341340022.